The following is an entry in ClinVar:

NM_004958.4(MTOR):c.6658C>T (p.Leu2220Phe)

Gene: MTOR (mechanistic target of rapamycin kinase; minus strand). Cytogenetic location: 1p36.22.
Variant type: single nucleotide variant.
Coding change: c.6658C>T on transcript NM_004958.4 (MANE Select); coding-DNA position 6658, C replaced by T.
Protein change: p.Leu2220Phe; replaces leucine 2220 with phenylalanine.
Molecular consequence: missense variant.
Genome position (GRCh38, 1-based): chr1:11,124,502, G>A on the plus strand (C>T on the coding strand, the complement: MTOR is on the minus strand). VCF-style: chr1-11124502-G-A. GRCh37 (hg19) VCF-style: chr1-11184559-G-A.
Other names: c.6658C>T, p.Leu2220Phe (NM_001386500.1); c.5410C>T, p.Leu1804Phe (NM_001386501.1); short protein forms L1804F, L2220F.
Identifiers: ClinVar variation 4881617 (VCV004881617.2).

ClinVar aggregate classification (germline): Uncertain significance (1 of 4 stars; one submission).

Submission:

Dasa
Classification: Uncertain significance. Last evaluated: 2026-04-22. Review status: criteria provided, single submitter. Criteria: DASA Assertion Criteria. Collection method: clinical testing. Allele origin: germline.
Comment: NM_004958.4(MTOR):c.6658C>T (p.Leu2220Phe) is a missense variant that results in the substitution of leucine with phenylalanine. This variant is absent from population databases. The currently available literature and clinical evidence are not sufficient to establish a definitive association between this variant and the reported condition. Therefore, this variant is classified as a variant of uncertain significance.